The following is an entry in ClinVar:

ClinVar aggregate classification (germline): Likely benign (1 of 4 stars; one submission).

gnomAD v4.1: 123 of 1,614,162 alleles (0.0076%); highest among the groups gnomAD compares: Non-Finnish European, 0.0078%; 1 homozygote.

Submission:

CeGaT Center for Human Genetics Tuebingen
Classification: Likely benign. Last evaluated: 2026-02-01. Review status: criteria provided, single submitter. Criteria: CeGaT Center For Human Genetics Tuebingen Variant Classification Criteria Version 2. Collection method: clinical testing. Allele origin: germline. Affected: yes. Observed: 1 variant allele.
Comment: TRIM71: BP4, BP7

NM_001039111.3(TRIM71):c.1776G>A (p.Pro592=)

Gene: TRIM71 (tripartite motif containing 71; plus strand). Cytogenetic location: 3p22.3.
Variant type: single nucleotide variant.
Coding change: c.1776G>A on transcript NM_001039111.3 (MANE Select); coding-DNA position 1776, G replaced by A.
Protein change: p.Pro592=; no amino-acid change (proline 592 retained).
Molecular consequence: synonymous variant.
Genome position (GRCh38, 1-based): chr3:32,890,980, G>A. VCF-style: chr3-32890980-G-A. GRCh37 (hg19) VCF-style: chr3-32932472-G-A.
Identifiers: ClinVar variation 4821441 (VCV004821441.4).